The following is an entry in ClinVar:

ClinVar aggregate classification (germline): Uncertain significance (1 of 4 stars; one submission).

gnomAD v4.1: 2 of 1,207,138 alleles (0.00017%); highest among the groups gnomAD compares: East Asian, 0.0059%; no homozygotes.

Submission:

GeneDx
Classification: Uncertain significance. Last evaluated: 2024-08-24. Review status: criteria provided, single submitter. Criteria: GeneDx Variant Classification Process June 2021. Collection method: clinical testing. Allele origin: germline. Affected: yes.
Comment: In silico analysis indicates that this missense variant does not alter protein structure/function; Has not been previously published as pathogenic or benign to our knowledge

NM_031407.7(HUWE1):c.6605C>G (p.Ala2202Gly)

Gene: HUWE1 (HECT, UBA and WWE domain containing E3 ubiquitin protein ligase 1; minus strand). Cytogenetic location: Xp11.22.
Variant type: single nucleotide variant.
Coding change: c.6605C>G on transcript NM_031407.7 (MANE Select); coding-DNA position 6605, C replaced by G.
Protein change: p.Ala2202Gly; replaces alanine 2202 with glycine.
Molecular consequence: missense variant.
Genome position (GRCh38, 1-based): chrX:53,568,794, G>C on the plus strand (C>G on the coding strand, the complement: HUWE1 is on the minus strand). VCF-style: chrX-53568794-G-C. GRCh37 (hg19) VCF-style: chrX-53595754-G-C.
Other names: short protein forms A2202G.
Identifiers: ClinVar variation 3764180 (VCV003764180.1).
Genomic context (GRCh38, chrX:53,568,794, plus strand): 5'-ACCAGTCCCTTCTTCAGGAAAAGCCGAATGATGTTGTTCATGCCATTGTGCTGGGTCTTC[G>C]CTGTGGCACTGCTGTAGAAGCTGGAGGTGGAGGGGCAGGACTCCATGATAGTACTGATGA-3'
Protein context (NP_113584.3, residues 2192-2212): STSSFYSSAT[Ala2202Gly]KTQHNGMNNI